The following is an entry in ClinVar:

NM_016239.4(MYO15A):c.172del (p.Ala58fs)

Gene: MYO15A (myosin XVA; plus strand). Cytogenetic location: 17p11.2.
Variant type: Deletion.
Coding change: c.172del on transcript NM_016239.4 (MANE Select); coding-DNA position 172, one base deleted (G; older notation c.172delG).
Protein change: p.Ala58fs; shifts the reading frame from alanine 58.
Molecular consequence: frameshift variant.
Genome position (GRCh38, 1-based): chr17:18,118,972, G deleted; the last of 2 consecutive G bases (chr17:18,118,971-18,118,972); deleting either gives the same sequence. VCF-style (leftmost placement, unchanged base first): chr17-18118970-CG-C. GRCh37 (hg19) VCF-style: chr17-18022284-CG-C.
Other names: short protein forms A58fs.
Identifiers: ClinVar variation 2744226 (VCV002744226.3), dbSNP rs2545172564, ClinGen allele CA2697559442.

ClinVar aggregate classification (germline): Pathogenic (1 of 4 stars; one submission).

Submission:

Labcorp Genetics (formerly Invitae), Labcorp
Classification: Pathogenic. Last evaluated: 2023-07-17. Review status: criteria provided, single submitter. Criteria: Invitae Variant Classification Sherloc (09022015). Collection method: clinical testing. Allele origin: germline.
Comment: For these reasons, this variant has been classified as Pathogenic. This variant has not been reported in the literature in individuals affected with MYO15A-related conditions. This variant is not present in population databases (gnomAD no frequency). This sequence change creates a premature translational stop signal (p.Ala58Profs*30) in the MYO15A gene. It is expected to result in an absent or disrupted protein product. Loss-of-function variants in MYO15A are known to be pathogenic (PMID: 17546645).

Literature cited by the submitters: PubMed 17546645.